The following is an entry in ClinVar:

ClinVar aggregate classification (germline): Uncertain significance (1 of 4 stars; one submission).

Submission:

Labcorp Genetics (formerly Invitae), Labcorp
Classification: Uncertain significance. Last evaluated: 2022-08-22. Review status: criteria provided, single submitter. Criteria: Invitae Variant Classification Sherloc (09022015). Collection method: clinical testing. Allele origin: germline.
Comment: In summary, the available evidence is currently insufficient to determine the role of this variant in disease. Therefore, it has been classified as a Variant of Uncertain Significance. Advanced modeling of protein sequence and biophysical properties (such as structural, functional, and spatial information, amino acid conservation, physicochemical variation, residue mobility, and thermodynamic stability) performed at Invitae indicates that this missense variant is expected to disrupt MYO7A protein function. This variant has not been reported in the literature in individuals affected with MYO7A-related conditions. This variant is not present in population databases (gnomAD no frequency). This sequence change replaces arginine, which is basic and polar, with leucine, which is neutral and non-polar, at codon 1047 of the MYO7A protein (p.Arg1047Leu).

NM_000260.4(MYO7A):c.3140G>T (p.Arg1047Leu)

Gene: MYO7A (myosin VIIA; plus strand). Cytogenetic location: 11q13.5.
Variant type: single nucleotide variant.
Coding change: c.3140G>T on transcript NM_000260.4 (MANE Select); coding-DNA position 3140, G replaced by T.
Protein change: p.Arg1047Leu; replaces arginine 1047 with leucine.
Molecular consequence: missense variant.
Genome position (GRCh38, 1-based): chr11:77,182,455, G>T. VCF-style: chr11-77182455-G-T. GRCh37 (hg19) VCF-style: chr11-76893500-G-T.
Other names: c.3140G>T, p.Arg1047Leu (NM_001127180.2); c.3107G>T, p.Arg1036Leu (NM_001369365.1); short protein forms R1036L, R1047L.
Identifiers: ClinVar variation 2004166 (VCV002004166.4), dbSNP rs782761618, ClinGen allele CA381944579.